The following is an entry in ClinVar:

NM_001191061.2(SLC25A22):c.553G>A (p.Gly185Ser)

Gene: SLC25A22 (solute carrier family 25 member 22; minus strand). Cytogenetic location: 11p15.5.
Variant type: single nucleotide variant.
Coding change: c.553G>A on transcript NM_001191061.2 (MANE Select); coding-DNA position 553, G replaced by A.
Protein change: p.Gly185Ser; replaces glycine 185 with serine.
Molecular consequence: missense variant.
Genome position (GRCh38, 1-based): chr11:792,587, C>T on the plus strand (G>A on the coding strand, the complement: SLC25A22 is on the minus strand). VCF-style: chr11-792587-C-T. GRCh37 (hg19) VCF-style: chr11-792587-C-T.
Other names: c.553G>A, p.Gly185Ser (NM_001191060.2, NM_024698.6); short protein forms G185S.
Identifiers: ClinVar variation 575294 (VCV000575294.53), dbSNP rs761249044, ClinGen allele CA5789153.
Genomic context (GRCh38, chr11:792,587, plus strand): 5'-CCCCCCACCTGCCCTGTGCCTCCTACCTGAGCAGCGTGGCCCCGAGTCCCTTGTAGAGAC[C>T]GGCAATGCCACGGCTCCGCAGCAGGTCGCGGGTCAGCTGGGTGGCCGTGGGCCGAGGGGC-3'
Protein context (NP_001177990.1, residues 175-195): RDLLRSRGIA[Gly185Ser]LYKGLGATLL

ClinVar aggregate classification (germline): Uncertain significance. Review status: criteria provided, multiple submitters, no conflicts (2 of 4 stars). 5 submissions from 5 submitters: Uncertain significance (5). Last evaluated 2025-03-04.

Conditions:
Early Myoclonic Encephalopathy. Identifiers: MedGen C0270855.
Developmental and epileptic encephalopathy. Identifiers: MedGen C5779964, MONDO:0100620.

Allele frequency attached by ClinVar (database versions not stated): ExAC 0.00003; gnomAD 0.00004; gnomAD exomes 0.00004 and 0.00005; TOPMed 0.00005.

Submissions (5):

GeneDx
Classification: Uncertain significance. Last evaluated: 2025-03-04. Review status: criteria provided, single submitter. Criteria: GeneDx Variant Classification Process June 2021. Collection method: clinical testing. Allele origin: germline. Affected: yes.
Comment: Not observed at significant frequency in large population cohorts (gnomAD); In silico analysis supports that this missense variant has a deleterious effect on protein structure/function; Has not been previously published as pathogenic or benign to our knowledge

Blueprint Genetics
Classification: Uncertain significance. Last evaluated: 2024-06-04. Review status: criteria provided, single submitter. Criteria: ACMG Guidelines, 2015. Collection method: clinical testing. Allele origin: germline.

Labcorp Genetics (formerly Invitae), Labcorp
Classification: Uncertain significance for Early-infantile DEE. Last evaluated: 2024-01-24. Review status: criteria provided, single submitter. Criteria: Invitae Variant Classification Sherloc (09022015). Collection method: clinical testing. Allele origin: germline.
Comment: This sequence change replaces glycine, which is neutral and non-polar, with serine, which is neutral and polar, at codon 185 of the SLC25A22 protein (p.Gly185Ser). This variant is present in population databases (rs761249044, gnomAD 0.01%). This variant has not been reported in the literature in individuals affected with SLC25A22-related conditions. ClinVar contains an entry for this variant (Variation ID: 575294). Advanced modeling of protein sequence and biophysical properties (such as structural, functional, and spatial information, amino acid conservation, physicochemical variation, residue mobility, and thermodynamic stability) performed at Invitae indicates that this missense variant is not expected to disrupt SLC25A22 protein function with a negative predictive value of 80%. In summary, the available evidence is currently insufficient to determine the role of this variant in disease. Therefore, it has been classified as a Variant of Uncertain Significance.

Fulgent Genetics
Classification: Uncertain significance for Developmental and epileptic encephalopathy, 3. Last evaluated: 2018-10-31. Review status: criteria provided, single submitter. Criteria: ACMG Guidelines, 2015. Collection method: clinical testing. Allele origin: unknown.

CeGaT Center for Human Genetics Tuebingen
Classification: Uncertain significance. Last evaluated: 2018-03-01. Review status: criteria provided, single submitter. Criteria: CeGaT Center For Human Genetics Tuebingen Variant Classification Criteria Version 2. Collection method: clinical testing. Allele origin: germline. Affected: yes. Observed: 1 variant allele.